The following is an entry in ClinVar:

NM_002850.4(PTPRS):c.1611G>A (p.Ser537=)

Gene: PTPRS (protein tyrosine phosphatase receptor type S; minus strand). Cytogenetic location: 19p13.3.
Variant type: single nucleotide variant.
Coding change: c.1611G>A on transcript NM_002850.4 (MANE Select); coding-DNA position 1611, G replaced by A.
Protein change: p.Ser537=; no amino-acid change (serine 537 retained).
Molecular consequence: synonymous variant.
Genome position (GRCh38, 1-based): chr19:5,240,292, C>T on the plus strand (G>A on the coding strand, the complement: PTPRS is on the minus strand). VCF-style: chr19-5240292-C-T. GRCh37 (hg19) VCF-style: chr19-5240303-C-T.
Other names: c.1572G>A, p.Ser524= (NM_001394011.1, NM_001394012.1, NM_001394013.1 and 2 more transcripts); c.1584G>A, p.Ser528= (NM_130855.3).
Identifiers: ClinVar variation 3041856 (VCV003041856.2), dbSNP rs576655137, ClinGen allele CA9110297.

ClinVar aggregate classification (germline): Likely benign (0 of 4 stars; one submission).

Conditions:
PTPRS-related disorder. Also called: PTPRS-related condition.

Allele frequency attached by ClinVar (database versions not stated): gnomAD exomes 0.00006; gnomAD 0.00009; TOPMed 0.00014; ExAC 0.00017.
gnomAD v4.1: 123 of 1,602,374 alleles (0.0077%); highest among the groups gnomAD compares: Admixed American, 0.029%; 4 homozygotes.

Submission:

PreventionGenetics, part of Exact Sciences
Classification: Likely benign for PTPRS-related condition. Last evaluated: 2023-04-20. Review status: no assertion criteria provided. Collection method: clinical testing. Allele origin: germline.
Comment: This variant is classified as likely benign based on ACMG/AMP sequence variant interpretation guidelines (Richards et al. 2015 PMID: 25741868, with internal and published modifications).